The following is an entry in ClinVar:

NM_003742.4(ABCB11):c.908+1G>C

Gene: ABCB11 (ATP binding cassette subfamily B member 11; minus strand). Cytogenetic location: 2q31.1.
Variant type: single nucleotide variant.
Coding change: c.908+1G>C on transcript NM_003742.4 (MANE Select); the canonical splice donor site of the intron after coding-DNA position 908, G replaced by C.
Molecular consequence: splice donor variant.
Genome position (GRCh38, 1-based): chr2:168,990,800, C>G on the plus strand (G>C on the coding strand, the complement: ABCB11 is on the minus strand). VCF-style: chr2-168990800-C-G. GRCh37 (hg19) VCF-style: chr2-169847310-C-G.
Identifiers: ClinVar variation 973517 (VCV000973517.10), dbSNP rs147649016, ClinGen allele CA349125436.

ClinVar aggregate classification (germline): Pathogenic/Likely pathogenic. Review status: criteria provided, multiple submitters, no conflicts (2 of 4 stars). 5 submissions from 5 submitters: Pathogenic (3); Likely pathogenic (1). 1 of the submissions does not count toward it. Last evaluated 2026-04-14.

Conditions:
ABCB11-related disorder. Also called: ABCB11-related condition.
Familial intrahepatic cholestasis. Identifiers: Orphanet 284385, MedGen CN296401, MONDO:0017290.
Progressive familial intrahepatic cholestasis type 2. Identifiers: Orphanet 79304, MedGen C3489789, MONDO:0011156, OMIM 601847.
Familial intrahepatic cholestasis type 2.

Submissions (5):

Genomenon, Inc
Classification: Pathogenic for Familial intrahepatic cholestasis. Last evaluated: 2026-04-14. Review status: criteria provided, single submitter. Criteria: Genomenon Sequence Variant Interpretation Standards - Updated. Collection method: curation. Allele origin: germline. Affected: yes.
Comment: ABCB11 c.908+1G>C is a canonical splice variant affecting the donor splice site of intron 9. It is predicted to affect mRNA splicing, leading to a deleterious effect on the ABCB11 protein. This variant has been observed in at least one proband with an ABCB11-related disorder (PMID:37697751;32808743). It is absent or not present at a significant frequency in gnomAD. In conclusion, we classify ABCB11 c.908+1G>C as a pathogenic variant.

Labcorp Genetics (formerly Invitae), Labcorp
Classification: Pathogenic. Last evaluated: 2022-10-19. Review status: criteria provided, single submitter. Criteria: Invitae Variant Classification Sherloc (09022015). Collection method: clinical testing. Allele origin: germline.
Comment: This sequence change affects a donor splice site in intron 9 of the ABCB11 gene. It is expected to disrupt RNA splicing. Variants that disrupt the donor or acceptor splice site typically lead to a loss of protein function (PMID: 16199547), and loss-of-function variants in ABCB11 are known to be pathogenic (PMID: 18395098, 20232290). For these reasons, this variant has been classified as Pathogenic. Algorithms developed to predict the effect of sequence changes on RNA splicing suggest that this variant may disrupt the consensus splice site. ClinVar contains an entry for this variant (Variation ID: 973517). Disruption of this splice site has been observed in individuals with ABCB11-related conditions (PMID: 18395098, 24991443). This variant is not present in population databases (gnomAD no frequency).

Rolfs Rare Disease Consulting, Rolfs Consulting Und Verwaltungs GmbH
Classification: Pathogenic for Progressive familial intrahepatic cholestasis type 2. Last evaluated: 2019-01-01. Review status: criteria provided, single submitter. Criteria: ACMG Guidelines, 2015. Collection method: clinical testing. Allele origin: germline. Affected: yes.

CENTOGENE GmbH and LLC - Guiding Precision Medicine
Classification: Likely pathogenic for Familial intrahepatic cholestasis type 2. Review status: criteria provided, single submitter. Criteria: ACMG Guidelines, 2015. Collection method: clinical testing. Allele origin: germline. Affected: yes.

PreventionGenetics, part of Exact Sciences
Classification: Pathogenic for ABCB11-related condition. Last evaluated: 2023-12-21. Review status: no assertion criteria provided. Collection method: clinical testing. Allele origin: germline. Not counted in ClinVar's aggregate classification.
Comment: The ABCB11 c.908+1G>C variant is predicted to disrupt the GT donor site and interfere with normal splicing. This variant was reported in the compound heterozygous state in at least one individual with familial progressive intrahepatic cholestasis (see, for example, Li et al. 2020. PubMed ID: 32808743). This variant has not been reported in a large population database, indicating this variant is rare. Variants that disrupt the consensus splice donor site in ABCB11 are expected to be pathogenic. This variant is interpreted as pathogenic.

Literature cited by the submitters: PubMed 37697751 (cited by Genomenon, Inc); PubMed 32808743 (cited by Genomenon, Inc); PubMed 16199547 (cited by Labcorp Genetics (formerly Invitae), Labcorp); PubMed 18395098 (cited by Labcorp Genetics (formerly Invitae), Labcorp); PubMed 20232290 (cited by Labcorp Genetics (formerly Invitae), Labcorp); PubMed 24991443 (cited by Labcorp Genetics (formerly Invitae), Labcorp).